The following is an entry in ClinVar:

ClinVar aggregate classification (germline): Pathogenic/Likely pathogenic. Review status: criteria provided, multiple submitters, no conflicts (2 of 4 stars). 2 submissions from 2 submitters: Pathogenic (1); Likely pathogenic (1). Last evaluated 2023-02-23.

Conditions:
Intellectual disability-facial dysmorphism syndrome due to SETD5 haploinsufficiency (MRD23). Also called: Intellectual developmental disorder, autosomal dominant 23. Identifiers: Orphanet 404440, MedGen C3810406, MONDO:0014336, OMIM 615761.

Submissions (2):

3billion
Classification: Likely pathogenic for Intellectual disability-facial dysmorphism syndrome due to SETD5 haploinsufficiency. Last evaluated: 2023-02-23. Review status: criteria provided, single submitter. Criteria: ACMG Guidelines, 2015. Collection method: clinical testing. Allele origin: unknown. Affected: yes.
Comment: The variant is not observed in the gnomAD v2.1.1 dataset. This variant was predicted to result in a loss or disruption of normal protein function through nonsense-mediated decay (NMD) or protein truncation. Multiple pathogenic variants are reported downstream of the variant. Therefore, this variant is classified as Likely pathogenic according to the recommendation of ACMG/AMP guideline.

Baylor Genetics
Classification: Pathogenic for Intellectual disability-facial dysmorphism syndrome due to SETD5 haploinsufficiency. Last evaluated: 2022-11-08. Review status: criteria provided, single submitter. Criteria: ACMG Guidelines, 2015. Collection method: clinical testing. Allele origin: unknown.

NM_001080517.3(SETD5):c.2168T>A (p.Leu723Ter)

Gene: SETD5 (SET domain containing 5; plus strand). Cytogenetic location: 3p25.3.
Variant type: single nucleotide variant.
Coding change: c.2168T>A on transcript NM_001080517.3 (MANE Select); coding-DNA position 2168, T replaced by A.
Protein change: p.Leu723Ter; replaces leucine 723 with a stop codon.
Molecular consequence: nonsense.
Genome position (GRCh38, 1-based): chr3:9,448,452, T>A. VCF-style: chr3-9448452-T-A. GRCh37 (hg19) VCF-style: chr3-9490136-T-A.
Other names: c.1874T>A, p.Leu625Ter (NM_001292043.2, NM_001349451.2); short protein forms L625*, L723*.
Identifiers: ClinVar variation 2441815 (VCV002441815.2), dbSNP rs751310320, ClinGen allele CA351700977.